The following is an entry in ClinVar:

ClinVar aggregate classification (germline): Uncertain significance. Review status: criteria provided, multiple submitters, no conflicts (2 of 4 stars). 3 submissions from 3 submitters: Uncertain significance (3). Last evaluated 2026-08-11.

Conditions:
Inborn genetic diseases. Identifiers: MedGen C0950123, MeSH D030342.
TALDO1-related disorder. Also called: TALDO1-related condition.

Allele frequency attached by ClinVar (database versions not stated): gnomAD 0.00001; TOPMed 0.00003; ExAC 0.00004.
gnomAD v4.1: 24 of 1,612,976 alleles (0.0015%); highest among the groups gnomAD compares: Admixed American, 0.023%; 1 homozygote.

Submissions (3):

PreventionGenetics, part of Exact Sciences
Classification: Uncertain significance for TALDO1-related condition. Last evaluated: 2026-08-11. Review status: criteria provided, single submitter. Criteria: ACMG Guidelines, 2015. Collection method: clinical testing. Allele origin: germline.
Comment: The TALDO1 c.617A>G variant is predicted to result in the amino acid substitution p.Tyr206Cys. To our knowledge, this variant has not been reported in the literature. This variant is reported in 0.040% of alleles in individuals of Latino descent in gnomAD. At this time, the clinical significance of this variant is uncertain due to the absence of conclusive functional and genetic evidence.

Ambry Genetics
Classification: Uncertain significance for Inborn genetic diseases. Last evaluated: 2025-02-26. Review status: criteria provided, single submitter. Criteria: Ambry Variant Classification Scheme 2023. Collection method: clinical testing. Allele origin: germline.

Labcorp Genetics (formerly Invitae), Labcorp
Classification: Uncertain significance. Last evaluated: 2022-06-30. Review status: criteria provided, single submitter. Criteria: Invitae Variant Classification Sherloc (09022015). Collection method: clinical testing. Allele origin: germline.
Comment: This sequence change replaces tyrosine, which is neutral and polar, with cysteine, which is neutral and slightly polar, at codon 206 of the TALDO1 protein (p.Tyr206Cys). This variant is present in population databases (rs758740693, gnomAD 0.04%). This variant has not been reported in the literature in individuals affected with TALDO1-related conditions. Algorithms developed to predict the effect of missense changes on protein structure and function (SIFT, PolyPhen-2, Align-GVGD) all suggest that this variant is likely to be disruptive. Algorithms developed to predict the effect of sequence changes on RNA splicing suggest that this variant may create or strengthen a splice site. In summary, the available evidence is currently insufficient to determine the role of this variant in disease. Therefore, it has been classified as a Variant of Uncertain Significance.

NM_006755.2(TALDO1):c.617A>G (p.Tyr206Cys)

Genes: TALDO1 (transaldolase 1; plus strand), LOC126861110 (CDK7 strongly-dependent group 2 enhancer GRCh37_chr11:762588-763787; plus strand). Cytogenetic location: 11p15.5.
Variant type: single nucleotide variant.
Coding change: c.617A>G on transcript NM_006755.2 (MANE Select); coding-DNA position 617, A replaced by G.
Protein change: p.Tyr206Cys; replaces tyrosine 206 with cysteine.
Molecular consequence: missense variant.
Genome position (GRCh38, 1-based): chr11:763,499, A>G. VCF-style: chr11-763499-A-G. GRCh37 (hg19) VCF-style: chr11-763499-A-G.
Other names: c.617A>G (NM_006755.1); short protein forms Y206C.
Identifiers: ClinVar variation 1925051 (VCV001925051.4), dbSNP rs758740693, ClinGen allele CA5788222.